The following is an entry in ClinVar:

NM_025074.7(FRAS1):c.1121G>A (p.Trp374Ter)

Gene: FRAS1 (Fraser extracellular matrix complex subunit 1; plus strand). Cytogenetic location: 4q21.21.
Variant type: single nucleotide variant.
Coding change: c.1121G>A on transcript NM_025074.7 (MANE Select); coding-DNA position 1121, G replaced by A.
Protein change: p.Trp374Ter; replaces tryptophan 374 with a stop codon.
Molecular consequence: nonsense.
Genome position (GRCh38, 1-based): chr4:78,282,833, G>A. VCF-style: chr4-78282833-G-A. GRCh37 (hg19) VCF-style: chr4-79203987-G-A.
Other names: c.1121G>A, p.Trp374Ter (NM_001166133.2); short protein forms W374*.
Identifiers: ClinVar variation 916650 (VCV000916650.1), dbSNP rs1727394990, ClinGen allele CA357365730.

ClinVar aggregate classification (germline): Pathogenic (1 of 4 stars; one submission).

Conditions:
Fraser syndrome 1 (FRASRS1). Also called: CRYPTOPHTHALMOS WITH OTHER MALFORMATIONS. Identifiers: Orphanet 2052, MedGen C4551480, MONDO:0054737, OMIM 219000.

Submission:

Service de Biochimie Médicale et Biologie Moléculaire, CHU Clermont-Ferrand
Classification: Pathogenic for Fraser syndrome 1. Last evaluated: 2018-09-14. Review status: criteria provided, single submitter. Criteria: ACMG Guidelines, 2015. Collection method: clinical testing. Allele origin: inherited. Inheritance: Autosomal recessive inheritance. Affected: yes.
Comment: This variant in homozygous state or compound heterozygous state induced Fraser syndrome phenotype